The following is an entry in ClinVar:

ClinVar aggregate classification (germline): Uncertain significance. Review status: criteria provided, multiple submitters, no conflicts (2 of 4 stars). 2 submissions from 2 submitters: Uncertain significance (2). Last evaluated 2025-08-27.

Conditions:
Immunodeficiency 39 (IMD39). Identifiers: Orphanet 574918, MedGen C4225358, MONDO:0014597, OMIM 616345.

gnomAD v4.1: 2 of 1,573,532 alleles (0.00013%); highest among the groups gnomAD compares: Non-Finnish European, 0.00017%; no homozygotes.

Submissions (2):

Ambry Genetics
Classification: Uncertain significance. Last evaluated: 2025-08-27. Review status: criteria provided, single submitter. Criteria: Ambry Variant Classification Scheme 2023. Collection method: clinical testing. Allele origin: germline.

Labcorp Genetics (formerly Invitae), Labcorp
Classification: Uncertain significance for Immunodeficiency 39. Last evaluated: 2024-06-17. Review status: criteria provided, single submitter. Criteria: Invitae Variant Classification Sherloc (09022015). Collection method: clinical testing. Allele origin: germline.
Comment: This sequence change replaces aspartic acid, which is acidic and polar, with glutamic acid, which is acidic and polar, at codon 303 of the IRF7 protein (p.Asp303Glu). This variant is not present in population databases (gnomAD no frequency). This variant has not been reported in the literature in individuals affected with IRF7-related conditions. Advanced modeling of protein sequence and biophysical properties (such as structural, functional, and spatial information, amino acid conservation, physicochemical variation, residue mobility, and thermodynamic stability) performed at Invitae indicates that this missense variant is not expected to disrupt IRF7 protein function with a negative predictive value of 80%. In summary, the available evidence is currently insufficient to determine the role of this variant in disease. Therefore, it has been classified as a Variant of Uncertain Significance.

NM_001572.5(IRF7):c.870C>G (p.Asp290Glu)

Gene: IRF7 (interferon regulatory factor 7; minus strand). Cytogenetic location: 11p15.5.
Variant type: single nucleotide variant.
Coding change: c.870C>G on transcript NM_001572.5 (MANE Select); coding-DNA position 870, C replaced by G.
Protein change: p.Asp290Glu; replaces aspartic acid 290 with glutamic acid.
Molecular consequence: missense variant.
Genome position (GRCh38, 1-based): chr11:613,573, G>C on the plus strand (C>G on the coding strand, the complement: IRF7 is on the minus strand). VCF-style: chr11-613573-G-C. GRCh37 (hg19) VCF-style: chr11-613573-G-C.
Other names: c.909C>G (NM_004031.2); c.783C>G, p.Asp261Glu (NM_004029.4); c.909C>G, p.Asp303Glu (NM_004031.4); short protein forms D261E, D290E, D303E.
Identifiers: ClinVar variation 3616276 (VCV003616276.3).